The following is an entry in ClinVar:

ClinVar aggregate classification (germline): Benign. Review status: criteria provided, single submitter (1 of 4 stars). 2 submissions from 1 submitter: Benign (2). Last evaluated 2018-01-13.

Conditions:
Familial spontaneous pneumothorax (PSP). Identifiers: Orphanet 2903, MedGen C1868193, MONDO:0008259, OMIM 173600.
Birt-Hogg-Dube syndrome. Also called: Birt Hogg Dubé syndrome. Identifiers: Orphanet 122, MedGen C0346010, MONDO:0800444.

Allele frequency attached by ClinVar (database versions not stated): gnomAD exomes 0.00631; 1000 Genomes Project 0.02376; gnomAD 0.02476 and 0.02638; 1000 Genomes Project 30x 0.02748; TOPMed 0.02921.
gnomAD v4.1: 3,948 of 181,614 alleles (2.2%); highest among the groups gnomAD compares: African/African-American, 7.8%; 133 homozygotes.

Submissions (2):

Illumina Laboratory Services, Illumina
Classification: Benign for Familial spontaneous pneumothorax. Last evaluated: 2018-01-13. Review status: criteria provided, single submitter. Criteria: ICSL Variant Classification Criteria 13 December 2019. Collection method: clinical testing. Allele origin: germline.
Comment: This variant was observed in the ICSL laboratory as part of a predisposition screen in an ostensibly healthy population. It had not been previously curated by ICSL or reported in the Human Gene Mutation Database (HGMD: prior to June 1st, 2018), and was therefore a candidate for classification through an automated scoring system. Utilizing variant allele frequency, disease prevalence and penetrance estimates, and inheritance mode, an automated score was calculated to assess if this variant is too frequent to cause the disease. Based on the score and internal cut-off values, a variant classified as benign is not then subjected to further curation. The score for this variant resulted in a classification of benign for this disease.

Illumina Laboratory Services, Illumina
Classification: Benign for Birt-Hogg-Dube syndrome 1. Last evaluated: 2018-01-13. Review status: criteria provided, single submitter. Criteria: ICSL Variant Classification Criteria 13 December 2019. Collection method: clinical testing. Allele origin: germline.
Comment: the same text as in the submission from Illumina Laboratory Services, Illumina above.

NM_144997.7(FLCN):c.*956A>G

Gene: FLCN (folliculin; minus strand). Cytogenetic location: 17p11.2.
Variant type: single nucleotide variant.
Coding change: c.*956A>G on transcript NM_144997.7 (MANE Select); 956 bases downstream of the stop codon, A replaced by G.
Molecular consequence: 3 prime UTR variant.
Genome position (GRCh38, 1-based): chr17:17,212,699, T>C on the plus strand (A>G on the coding strand, the complement: FLCN is on the minus strand). VCF-style: chr17-17212699-T-C. GRCh37 (hg19) VCF-style: chr17-17116013-T-C.
Other names: c.*956A>G (NM_001353229.2, NM_001353230.2, NM_001353231.2 and 1 more transcripts).
Identifiers: ClinVar variation 322040 (VCV000322040.5), dbSNP rs141650706, ClinGen allele CA10639012.